The following is an entry in ClinVar:

ClinVar aggregate classification (germline): Uncertain significance. Review status: criteria provided, multiple submitters, no conflicts (2 of 4 stars). 2 submissions from 2 submitters: Uncertain significance (2). Last evaluated 2024-03-25.

Conditions:
Cardiovascular phenotype. Identifiers: MedGen CN230736.
Brugada syndrome 8 (BRGDA8). Identifiers: Orphanet 130, MedGen C2751083, MONDO:0013148, OMIM 613123.

Submissions (2):

Labcorp Genetics (formerly Invitae), Labcorp
Classification: Uncertain significance for Brugada syndrome 8. Last evaluated: 2024-03-25. Review status: criteria provided, single submitter. Criteria: Invitae Variant Classification Sherloc (09022015). Collection method: clinical testing. Allele origin: germline.
Comment: This sequence change replaces alanine, which is neutral and non-polar, with valine, which is neutral and non-polar, at codon 137 of the HCN4 protein (p.Ala137Val). This variant is not present in population databases (gnomAD no frequency). This variant has not been reported in the literature in individuals affected with HCN4-related conditions. ClinVar contains an entry for this variant (Variation ID: 1737905). Advanced modeling of protein sequence and biophysical properties (such as structural, functional, and spatial information, amino acid conservation, physicochemical variation, residue mobility, and thermodynamic stability) performed at Invitae indicates that this missense variant is not expected to disrupt HCN4 protein function with a negative predictive value of 95%. In summary, the available evidence is currently insufficient to determine the role of this variant in disease. Therefore, it has been classified as a Variant of Uncertain Significance.

Ambry Genetics
Classification: Uncertain significance for Cardiovascular phenotype. Last evaluated: 2021-11-19. Review status: criteria provided, single submitter. Criteria: Ambry Variant Classification Scheme 2023. Collection method: clinical testing. Allele origin: germline.
Comment: The p.A137V variant (also known as c.410C>T), located in coding exon 1 of the HCN4 gene, results from a C to T substitution at nucleotide position 410. The alanine at codon 137 is replaced by valine, an amino acid with similar properties. This amino acid position is conserved. In addition, this alteration is predicted to be tolerated by in silico analysis. Since supporting evidence is limited at this time, the clinical significance of this alteration remains unclear.

NM_005477.3(HCN4):c.410C>T (p.Ala137Val)

Gene: HCN4 (hyperpolarization activated cyclic nucleotide gated potassium channel 4; minus strand). Cytogenetic location: 15q24.1.
Variant type: single nucleotide variant.
Coding change: c.410C>T on transcript NM_005477.3 (MANE Select); coding-DNA position 410, C replaced by T.
Protein change: p.Ala137Val; replaces alanine 137 with valine.
Molecular consequence: missense variant.
Genome position (GRCh38, 1-based): chr15:73,367,861, G>A on the plus strand (C>T on the coding strand, the complement: HCN4 is on the minus strand). VCF-style: chr15-73367861-G-A. GRCh37 (hg19) VCF-style: chr15-73660202-G-A.
Other names: short protein forms A137V.
Identifiers: ClinVar variation 1737905 (VCV001737905.4), dbSNP rs2043136336, ClinGen allele CA393098104.